The following is an entry in ClinVar:

NM_001164277.2(SLC37A4):c.1073C>T (p.Pro358Leu)

Gene: SLC37A4 (solute carrier family 37 member 4; minus strand). Cytogenetic location: 11q23.3.
Variant type: single nucleotide variant.
Coding change: c.1073C>T on transcript NM_001164277.2 (MANE Select); coding-DNA position 1073, C replaced by T.
Protein change: p.Pro358Leu; replaces proline 358 with leucine.
Molecular consequence: missense variant.
Genome position (GRCh38, 1-based): chr11:119,025,241, G>A on the plus strand (C>T on the coding strand, the complement: SLC37A4 is on the minus strand). VCF-style: chr11-119025241-G-A. GRCh37 (hg19) VCF-style: chr11-118895951-G-A.
Other names: p.Pro358Leu; c.1139C>T, p.Pro380Leu (NM_001164278.2); c.854C>T, p.Pro285Leu (NM_001164279.2); c.1073C>T, p.Pro358Leu (NM_001164280.2, NM_001467.6); short protein forms P285L, P358L, P380L.
Identifiers: ClinVar variation 841356 (VCV000841356.12), dbSNP rs782025581, ClinGen allele CA6311633.
Genomic context (GRCh38, chr11:119,025,241, plus strand): 5'-TAACACTTACCATTGGCCATGAGTCCCACAATGGCGTGGGAGGTGCCACACAAGTTGGGA[G>A]GGGCACTCTCGTTGGCTATGACTCCAAACAGGGCAATGGGGCCATACGAGGAGAAACCAA-3'
Protein context (NP_001157749.1, residues 348-368): LFGVIANESA[Pro358Leu]PNLCGTSHAI

ClinVar aggregate classification (germline): Uncertain significance. Review status: criteria provided, multiple submitters, no conflicts (2 of 4 stars). 5 submissions from 5 submitters: Uncertain significance (4). 1 of the submissions does not count toward it. Last evaluated 2026-04-27.

Conditions:
Inborn genetic diseases. Identifiers: MedGen C0950123, MeSH D030342.
Congenital disorder of glycosylation, type IIw. Identifiers: MedGen C5561986, MONDO:0030437, OMIM 619525.
Phosphate transport defect (GSD1C). Also called: GSD Ic; GLYCOGEN STORAGE DISEASE Ic. Identifiers: Orphanet 364, Orphanet 79259, MedGen C0342749, OMIM 232240.
Glucose-6-phosphate transport defect (GSD1B). Also called: GSD Ib; Glycogen Storage Disease Type Ib. Identifiers: Orphanet 364, Orphanet 79259, MedGen C0268146, MONDO:0009288, OMIM 232220.

Allele frequency attached by ClinVar (database versions not stated): ExAC 0.00001; gnomAD exomes 0.00002 and 0.00001; TOPMed 0.00012; gnomAD 0.00005 and 0.00006.

Submissions (5):

Ambry Genetics
Classification: Uncertain significance for Inborn genetic diseases. Last evaluated: 2026-04-27. Review status: criteria provided, single submitter. Criteria: Ambry Variant Classification Scheme 2023. Collection method: clinical testing. Allele origin: germline.

Mayo Clinic Laboratories, Mayo Clinic
Classification: Uncertain significance. Last evaluated: 2025-09-26. Review status: criteria provided, single submitter. Criteria: ACMG Guidelines, 2015. Collection method: clinical testing. Allele origin: germline. Observed: 1 variant allele.

Labcorp Genetics (formerly Invitae), Labcorp
Classification: Uncertain significance for Glucose-6-phosphate transport defect. Last evaluated: 2024-11-12. Review status: criteria provided, single submitter. Criteria: Invitae Variant Classification Sherloc (09022015). Collection method: clinical testing. Allele origin: germline.
Comment: This sequence change replaces proline, which is neutral and non-polar, with leucine, which is neutral and non-polar, at codon 358 of the SLC37A4 protein (p.Pro358Leu). This variant is present in population databases (rs782025581, gnomAD 0.03%). This variant has not been reported in the literature in individuals affected with SLC37A4-related conditions. ClinVar contains an entry for this variant (Variation ID: 841356). Invitae Evidence Modeling of protein sequence and biophysical properties (such as structural, functional, and spatial information, amino acid conservation, physicochemical variation, residue mobility, and thermodynamic stability) indicates that this missense variant is expected to disrupt SLC37A4 protein function with a positive predictive value of 80%. In summary, the available evidence is currently insufficient to determine the role of this variant in disease. Therefore, it has been classified as a Variant of Uncertain Significance.

Fulgent Genetics
Classification: Uncertain significance for Glucose-6-phosphate transport defect; Phosphate transport defect; Congenital disorder of glycosylation, type IIw. Last evaluated: 2021-08-02. Review status: criteria provided, single submitter. Criteria: ACMG Guidelines, 2015. Collection method: clinical testing. Allele origin: unknown.

Natera, Inc.
Classification: Uncertain significance for Glycogen storage disease type Ib. Last evaluated: 2020-08-12. Review status: no assertion criteria provided. Collection method: clinical testing. Allele origin: germline. Not counted in ClinVar's aggregate classification.